The following is an entry in ClinVar:

ClinVar aggregate classification (germline): Uncertain significance. Review status: criteria provided, multiple submitters, no conflicts (2 of 4 stars). 2 submissions from 2 submitters: Uncertain significance (2). Last evaluated 2023-05-04.

Conditions:
Hypertrophic cardiomyopathy. Also called: HYPERTROPHIC MYOCARDIOPATHY. Identifiers: Orphanet 217569, MedGen C0007194, MeSH D002312, MONDO:0005045, HP:0001639.

Submissions (2):

All of Us Research Program, National Institutes of Health
Classification: Uncertain significance for Hypertrophic cardiomyopathy. Last evaluated: 2023-05-04. Review status: criteria provided, single submitter. Criteria: ACMG Guidelines, 2015. Collection method: clinical testing. Allele origin: germline. Inheritance: Autosomal dominant inheritance. Observed: 1 variant allele, 1 heterozygote.
Comment: This missense variant replaces glutamine with histidine at codon 337 of the PRKAG2 protein. Computational prediction is inconclusive regarding the impact of this variant on protein structure and function (internally defined REVEL score threshold 0.5 < inconclusive < 0.7, PMID: 27666373). To our knowledge, functional studies have not been reported for this variant. This variant has not been reported in individuals affected with PRKAG2-related disorders in the literature. This variant has not been identified in the general population by the Genome Aggregation Database (gnomAD). The available evidence is insufficient to determine the role of this variant in disease conclusively. Therefore, this variant is classified as a Variant of Uncertain Significance.

This study involves interpretation of variants in research participants for the purpose of population health screening. Participant phenotype was not available at the time of variant classification. Additional details can be found in publication PMID: 35346344, PMCID: PMC8962531

Clinical Genetics Laboratory, Skane University Hospital Lund
Classification: Uncertain significance. Last evaluated: 2022-07-13. Review status: criteria provided, single submitter. Criteria: ACMG Guidelines, 2015. Collection method: clinical testing. Allele origin: germline. Affected: yes.

NM_016203.4(PRKAG2):c.1011G>T (p.Gln337His)

Gene: PRKAG2 (protein kinase AMP-activated non-catalytic subunit gamma 2; minus strand). Cytogenetic location: 7q36.1.
Variant type: single nucleotide variant.
Coding change: c.1011G>T on transcript NM_016203.4 (MANE Select); coding-DNA position 1011, G replaced by T.
Protein change: p.Gln337His; replaces glutamine 337 with histidine.
Molecular consequence: missense variant.
Genome position (GRCh38, 1-based): chr7:151,572,704, C>A on the plus strand (G>T on the coding strand, the complement: PRKAG2 is on the minus strand). VCF-style: chr7-151572704-C-A. GRCh37 (hg19) VCF-style: chr7-151269790-C-A.
Other names: c.879G>T, p.Gln293His (NM_001040633.2, NM_001407024.1); c.636G>T, p.Gln212His (NM_001304527.2, NM_001407029.1); c.288G>T, p.Gln96His (NM_001304531.2, NM_001407034.1, NM_001407035.1 and 1 more transcripts); c.639G>T, p.Gln213His (NM_001363698.2, NM_001407028.1); c.1011G>T, p.Gln337His (NM_001407021.1); c.1008G>T, p.Gln336His (NM_001407022.1, NM_001407023.1); c.876G>T, p.Gln292His (NM_001407026.1, NM_001407027.1); c.723G>T, p.Gln241His (NM_001407030.1); and 7 more; short protein forms Q112H, Q116H, Q212H, Q213H, Q229H, Q231H, Q240H, Q241H.
Identifiers: ClinVar variation 3070712 (VCV003070712.2), dbSNP rs2536368951, ClinGen allele CA370072191.